The following is an entry in ClinVar:

ClinVar aggregate classification (germline): Uncertain significance (1 of 4 stars; one submission).

Allele frequency attached by ClinVar (database versions not stated): gnomAD exomes 0.00001; ExAC 0.00002; TOPMed 0.00004; gnomAD 0.00007; ESP Exome Variant Server 0.00023.
gnomAD v4.1: 18 of 1,612,712 alleles (0.0011%); highest among the groups gnomAD compares: African/African-American, 0.017%; no homozygotes.

Submissions (2):

Labcorp Genetics (formerly Invitae), Labcorp
Classification: Uncertain significance. Last evaluated: 2023-11-27. Review status: criteria provided, single submitter. Criteria: Invitae Variant Classification Sherloc (09022015). Collection method: clinical testing. Allele origin: germline.
Comment: This sequence change replaces isoleucine, which is neutral and non-polar, with valine, which is neutral and non-polar, at codon 235 of the PPP2R5D protein (p.Ile235Val). This variant is present in population databases (rs149677026, gnomAD 0.02%). This variant has not been reported in the literature in individuals affected with PPP2R5D-related conditions. ClinVar contains an entry for this variant (Variation ID: 1484873). An algorithm developed to predict the effect of missense changes on protein structure and function (PolyPhen-2) suggests that this variant¬†is likely to be tolerated. In summary, the available evidence is currently insufficient to determine the role of this variant in disease. Therefore, it has been classified as a Variant of Uncertain Significance.

Dr. Peter K. Rogan Lab, Western University
No classification provided (evidence only). Condition: Thyroid cancer, nonmedullary, 1. Review status: no classification provided. Collection method: in vitro. Allele origin: not applicable. Functional consequence: retained intron. Not counted in ClinVar's aggregate classification.

NM_006245.4(PPP2R5D):c.703A>G (p.Ile235Val)

Gene: PPP2R5D (protein phosphatase 2 regulatory subunit B'delta; plus strand). Cytogenetic location: 6p21.1.
Variant type: single nucleotide variant.
Coding change: c.703A>G on transcript NM_006245.4 (MANE Select); coding-DNA position 703, A replaced by G.
Protein change: p.Ile235Val; replaces isoleucine 235 with valine.
Molecular consequence: missense variant.
Genome position (GRCh38, 1-based): chr6:43,007,483, A>G. VCF-style: chr6-43007483-A-G. GRCh37 (hg19) VCF-style: chr6-42975221-A-G.
Other names: c.250A>G, p.Ile84Val (NM_001270476.2); c.607A>G, p.Ile203Val (NM_180976.3); c.385A>G, p.Ile129Val (NM_180977.3); short protein forms I235V, I84V, I129V, I203V.
Identifiers: ClinVar variation 1484873 (VCV001484873.8), dbSNP rs149677026, ClinGen allele CA3811883.